The following is an entry in ClinVar:

NM_004104.5(FASN):c.2305-9C>T

Gene: FASN (fatty acid synthase; minus strand). Cytogenetic location: 17q25.3.
Variant type: single nucleotide variant.
Coding change: c.2305-9C>T on transcript NM_004104.5 (MANE Select); 9 bases into the intron before coding-DNA position 2305, C replaced by T.
Molecular consequence: intron variant.
Genome position (GRCh38, 1-based): chr17:82,088,885, G>A on the plus strand (C>T on the coding strand, the complement: FASN is on the minus strand). VCF-style: chr17-82088885-G-A. GRCh37 (hg19) VCF-style: chr17-80046761-G-A.
Other names: c.2305-9C>T (NM_004104.4).
Identifiers: ClinVar variation 1119059 (VCV001119059.11), dbSNP rs554288043, ClinGen allele CA8852830.
Genomic context (GRCh38, chr17:82,088,885, plus strand): 5'-TCATCAGGGGGATGATGGTGCAGCTCGGCTTCAGGCCACGCTTCAGGACAGCCTGGGGGC[G>A]GCAGGGCAGGTGGGCTCTCTTGGTGCTCAGCTGAGGCGCCCATCCCAGGCTCCCGGCGCC-3'

ClinVar aggregate classification (germline): Likely benign. Review status: criteria provided, single submitter (1 of 4 stars). 2 submissions from 2 submitters: Likely benign (1). 1 of the submissions does not count toward it. Last evaluated 2025-07-06.

Conditions:
FASN-related disorder. Also called: FASN-related condition.
Epileptic encephalopathy. Identifiers: MedGen C0543888, HP:0200134.

Allele frequency attached by ClinVar (database versions not stated): gnomAD 0.00006 and 0.00012; TOPMed 0.00010; gnomAD exomes 0.00013 and 0.00016; ExAC 0.00017; 1000 Genomes Project 30x 0.00031; 1000 Genomes Project 0.00040.

Submissions (2):

Labcorp Genetics (formerly Invitae), Labcorp
Classification: Likely benign for Epileptic encephalopathy. Last evaluated: 2025-07-06. Review status: criteria provided, single submitter. Criteria: Invitae Variant Classification Sherloc (09022015). Collection method: clinical testing. Allele origin: germline.

PreventionGenetics, part of Exact Sciences
Classification: Likely benign for FASN-related condition. Last evaluated: 2020-07-01. Review status: no assertion criteria provided. Collection method: clinical testing. Allele origin: germline. Not counted in ClinVar's aggregate classification.
Comment: This variant is classified as likely benign based on ACMG/AMP sequence variant interpretation guidelines (Richards et al. 2015 PMID: 25741868, with internal and published modifications).